The following is an entry in ClinVar:

ClinVar aggregate classification (germline): Uncertain significance (1 of 4 stars; one submission).

Conditions:
Walker-Warburg congenital muscular dystrophy. Also called: Muscular dystrophy-dystroglycanopathy, type A; Walker-Warburg syndrome. Identifiers: Orphanet 899, MedGen C0265221, MONDO:0000171.
Autosomal recessive limb-girdle muscular dystrophy type 2K. Also called: MUSCULAR DYSTROPHY, LIMB-GIRDLE, TYPE 2K; MUSCULAR DYSTROPHY-DYSTROGLYCANOPATHY (LIMB-GIRDLE), TYPE C, 1. Identifiers: Orphanet 86812, MedGen C1836373, MONDO:0012248, OMIM 609308.
Muscular dystrophy-dystroglycanopathy (congenital with impaired intellectual development), type B, 1. Also called: MUSCULAR DYSTROPHY, CONGENITAL, POMT1-RELATED; Muscular dystrophy-dystroglycanopathy (congenital with intellectual disability), type B1. Identifiers: MedGen C5436962, MONDO:0013159, OMIM 613155.

Allele frequency attached by ClinVar (database versions not stated): gnomAD exomes below 0.00001.
gnomAD v4.1: 1 of 1,614,236 alleles (0.000062%); highest among the groups gnomAD compares: Non-Finnish European, 0.000085%; no homozygotes.

Submission:

Labcorp Genetics (formerly Invitae), Labcorp
Classification: Uncertain significance for Muscular dystrophy-dystroglycanopathy (congenital with impaired intellectual development), type B, 1; Walker-Warburg congenital muscular dystrophy; Autosomal recessive limb-girdle muscular dystrophy type 2K. Last evaluated: 2021-11-11. Review status: criteria provided, single submitter. Criteria: Invitae Variant Classification Sherloc (09022015). Collection method: clinical testing. Allele origin: germline.
Comment: In summary, the available evidence is currently insufficient to determine the role of this variant in disease. Therefore, it has been classified as a Variant of Uncertain Significance. Algorithms developed to predict the effect of missense changes on protein structure and function are either unavailable or do not agree on the potential impact of this missense change (SIFT: "Tolerated"; PolyPhen-2: "Possibly Damaging"; Align-GVGD: "Class C0"). This sequence change replaces glutamine, which is neutral and polar, with histidine, which is basic and polar, at codon 229 of the POMT1 protein (p.Gln229His). This variant is not present in population databases (gnomAD no frequency). ClinVar contains an entry for this variant (Variation ID: 855070). This variant has not been reported in the literature in individuals affected with POMT1-related conditions.

NM_001077365.2(POMT1):c.687G>C (p.Gln229His)

Gene: POMT1 (protein O-mannosyltransferase 1; plus strand). Cytogenetic location: 9q34.13.
Variant type: single nucleotide variant.
Coding change: c.687G>C on transcript NM_001077365.2 (MANE Select); coding-DNA position 687, G replaced by C.
Protein change: p.Gln229His; replaces glutamine 229 with histidine.
Molecular consequence: missense variant. On other transcripts: non-coding transcript variant (10).
Genome position (GRCh38, 1-based): chr9:131,509,984, G>C. VCF-style: chr9-131509984-G-C. GRCh37 (hg19) VCF-style: chr9-134385371-G-C.
Other names: c.525G>C, p.Gln175His (NM_001077366.2, NM_001353194.2, NM_001353197.2 and 3 more transcripts); c.687G>C, p.Gln229His (NM_001136113.2, NM_001353193.2, NM_001374690.1 and 1 more transcripts); c.336G>C, p.Gln112His (NM_001136114.2, NM_001353195.2, NM_001353199.2 and 2 more transcripts); c.597G>C, p.Gln199His (NM_001353196.2); c.231G>C, p.Gln77His (NM_001353200.2, NM_001374695.1); short protein forms Q199H, Q77H, Q112H, Q175H, Q229H.
Identifiers: ClinVar variation 855070 (VCV000855070.8), dbSNP rs1946741782, ClinGen allele CA375307434.
Genomic context (GRCh38, chr9:131,509,984, plus strand): 5'-CACGTACGTGCTCGTGCTGGGTGTTGCAGCTGTCCATGCCTGGCACCTGCTTGGAGACCA[G>C]ACTTTGTCCAATGTAGGTGCTGATGTCCAGTGCTGCATGAGGCCGGCCTGTATGGGGCAG-3'
Protein context (NP_001070833.1, residues 219-239): AVHAWHLLGD[Gln229His]TLSNVCVFCH